The following is an entry in ClinVar:

ClinVar aggregate classification (germline): Uncertain significance. Review status: criteria provided, multiple submitters, no conflicts (2 of 4 stars). 2 submissions from 2 submitters: Uncertain significance (2). Last evaluated 2023-04-14.

Conditions:
Ehlers-Danlos syndrome, type 4 (EDSVASC). Also called: Ehlers-Danlos syndrome vascular type; Ehlers Danlos syndrome, ecchymotic type; Ehlers Danlos syndrome, arterial type; Ehlers Danlos syndrome, Sack-Barabas type; Ehlers-Danlos Syndrome Type IV. Identifiers: Orphanet 286, MedGen C0268338, MONDO:0017314, OMIM 130050.

Submissions (2):

Labcorp Genetics (formerly Invitae), Labcorp
Classification: Uncertain significance for Ehlers-Danlos syndrome, type 4. Last evaluated: 2023-04-14. Review status: criteria provided, single submitter. Criteria: Invitae Variant Classification Sherloc (09022015). Collection method: clinical testing. Allele origin: germline.
Comment: In summary, the available evidence is currently insufficient to determine the role of this variant in disease. Therefore, it has been classified as a Variant of Uncertain Significance. Advanced modeling of protein sequence and biophysical properties (such as structural, functional, and spatial information, amino acid conservation, physicochemical variation, residue mobility, and thermodynamic stability) performed at Invitae indicates that this missense variant is expected to disrupt COL3A1 protein function. This variant has not been reported in the literature in individuals affected with COL3A1-related conditions. This variant is not present in population databases (gnomAD no frequency). This sequence change replaces glycine, which is neutral and non-polar, with arginine, which is basic and polar, at codon 1284 of the COL3A1 protein (p.Gly1284Arg).

GeneDx
Classification: Uncertain significance. Last evaluated: 2023-02-02. Review status: criteria provided, single submitter. Criteria: GeneDx Variant Classification Process June 2021. Collection method: clinical testing. Allele origin: germline. Affected: yes.
Comment: Not observed at significant frequency in large population cohorts (gnomAD); In silico analysis supports that this missense variant has a deleterious effect on protein structure/function; Has not been previously published as pathogenic or benign to our knowledge; Not located in the triple helical region, where the majority of pathogenic missense variants occur (HGMD)

NM_000090.4(COL3A1):c.3850G>A (p.Gly1284Arg)

Gene: COL3A1 (collagen type III alpha 1 chain; plus strand). Cytogenetic location: 2q32.2.
Variant type: single nucleotide variant.
Coding change: c.3850G>A on transcript NM_000090.4 (MANE Select); coding-DNA position 3850, G replaced by A.
Protein change: p.Gly1284Arg; replaces glycine 1284 with arginine.
Molecular consequence: missense variant.
Genome position (GRCh38, 1-based): chr2:189,010,204, G>A. VCF-style: chr2-189010204-G-A. GRCh37 (hg19) VCF-style: chr2-189874930-G-A.
Other names: short protein forms G1284R.
Identifiers: ClinVar variation 2574863 (VCV002574863.4), dbSNP rs2469168797, ClinGen allele CA349848486.
Genomic context (GRCh38, chr2:189,010,204, plus strand): 5'-TAACCAATTCCCATTCTTTTTTGTGACTATTCAGGAGAATACTGGGTTGACCCTAACCAA[G>A]GATGCAAATTGGATGCTATCAAGGTATTCTGTAATATGGAAACTGGGGAAACATGCATAA-3'
Protein context (NP_000081.2, residues 1274-1294): SGEYWVDPNQ[Gly1284Arg]CKLDAIKVFC